The following is an entry in ClinVar:

ClinVar aggregate classification (germline): Uncertain significance (1 of 4 stars; one submission).

Conditions:
Familial adenomatous polyposis 1 (FAP1). Also called: FAMILIAL ADENOMATOUS POLYPOSIS 1, ATTENUATED; POLYPOSIS, ADENOMATOUS INTESTINAL. Identifiers: MedGen C2713442, MONDO:0021056, OMIM 175100. Disease mechanism: loss of function.

Allele frequency attached by ClinVar (database versions not stated): gnomAD 0.00003.

Submission:

Labcorp Genetics (formerly Invitae), Labcorp
Classification: Uncertain significance for Familial adenomatous polyposis 1. Last evaluated: 2025-07-30. Review status: criteria provided, single submitter. Criteria: Invitae Variant Classification Sherloc (09022015). Collection method: clinical testing. Allele origin: germline.
Comment: This variant occurs in a non-coding region of the APC gene. It does not change the encoded amino acid sequence of the APC protein. This variant is present in population databases (no rsID available, gnomAD 0.01%). This variant has not been reported in the literature in individuals affected with APC-related conditions. ClinVar contains an entry for this variant (Variation ID: 644569). Experimental studies and prediction algorithms are not available or were not evaluated, and the functional significance of this variant is currently unknown. In summary, the available evidence is currently insufficient to determine the role of this variant in disease. Therefore, it has been classified as a Variant of Uncertain Significance.

NM_001127511.3(APC):c.-171G>A

Gene: APC (APC regulator of Wnt signaling pathway; plus strand). Cytogenetic location: 5q22.2.
Variant type: single nucleotide variant.
Coding change: c.-171G>A on transcript NM_001127511.3; 171 bases upstream of the start codon, G replaced by A.
Molecular consequence: 5 prime UTR variant. On other transcripts: non-coding transcript variant (2).
Genome position (GRCh38, 1-based): chr5:112,707,547, G>A. VCF-style: chr5-112707547-G-A. GRCh37 (hg19) VCF-style: chr5-112043244-G-A.
Other names: c.-354G>A (NM_001354895.2, NM_001407447.1, NM_001407452.1 and 3 more transcripts); c.-171G>A (NM_001354897.2, NM_001354902.2, NM_001407446.1); c.-121G>A (NM_001407448.1, NM_001407450.1, NM_001407457.1 and 1 more transcripts); c.-145G>A (NM_001407453.1); c.-1389G>A (NM_001407470.1, NM_001407472.1).
Identifiers: ClinVar variation 644569 (VCV000644569.11), dbSNP rs968943120, ClinGen allele CA561890247.